The following is an entry in ClinVar:

ClinVar aggregate classification (germline): Uncertain significance (1 of 4 stars; one submission).

Conditions:
Hereditary cancer-predisposing syndrome. Also called: Neoplastic Syndromes, Hereditary; Tumor predisposition; Hereditary neoplastic syndrome; Hereditary Cancer Syndrome. Identifiers: Orphanet 140162, MedGen C0027672, MeSH D009386, MONDO:0015356.

Submission:

Ambry Genetics
Classification: Uncertain significance for Hereditary cancer-predisposing syndrome. Last evaluated: 2026-07-07. Review status: criteria provided, single submitter. Criteria: Ambry Variant Classification Scheme 2023. Collection method: clinical testing. Allele origin: germline.
Comment: The p.N133D variant (also known as c.397A>G), located in coding exon 4 of the FH gene, results from an A to G substitution at nucleotide position 397. The asparagine at codon 133 is replaced by aspartic acid, an amino acid with highly similar properties. This amino acid position is conserved. In addition, this alteration is predicted to be tolerated by in silico analysis. Based on the available evidence, the clinical significance of this variant remains unclear.

NM_000143.4(FH):c.397A>G (p.Asn133Asp)

Gene: FH (fumarate hydratase; minus strand). Cytogenetic location: 1q43.
Variant type: single nucleotide variant.
Coding change: c.397A>G on transcript NM_000143.4 (MANE Select); coding-DNA position 397, A replaced by G.
Protein change: p.Asn133Asp; replaces asparagine 133 with aspartic acid.
Molecular consequence: missense variant.
Genome position (GRCh38, 1-based): chr1:241,512,125, T>C on the plus strand (A>G on the coding strand, the complement: FH is on the minus strand). VCF-style: chr1-241512125-T-C. GRCh37 (hg19) VCF-style: chr1-241675425-T-C.
Other names: short protein forms N133D.
Identifiers: ClinVar variation 5021709 (VCV005021709.1).